The following is an entry in ClinVar:

NM_206933.4(USH2A):c.3157+5G>A

Genes: USH2A (usherin; minus strand), USH2A-AS1 (USH2A antisense RNA 1; plus strand). Cytogenetic location: 1q41.
Variant type: single nucleotide variant.
Coding change: c.3157+5G>A on transcript NM_206933.4 (MANE Select); 5 bases into the intron after coding-DNA position 3157, G replaced by A.
Molecular consequence: intron variant.
Genome position (GRCh38, 1-based): chr1:216,217,382, C>T on the plus strand (G>A on the coding strand, the complement: USH2A is on the minus strand). VCF-style: chr1-216217382-C-T. GRCh37 (hg19) VCF-style: chr1-216390724-C-T.
Other names: c.3157+5G>A (NM_007123.6).
Identifiers: ClinVar variation 865968 (VCV000865968.5), dbSNP rs777673655, ClinGen allele CA916082145.
Genomic context (GRCh38, chr1:216,217,382, plus strand): 5'-CAATGAGATGCAGTCCCCTGTATGATGCTGCTTCACACACCAGCACTGAACCAGAGTTCA[C>T]TTACTTTTGCTGCAACCCAATAGATTGTTGACATCCAAGTGGCTTGCACTGGGAACACAA-3'

ClinVar aggregate classification (germline): Uncertain significance. Review status: criteria provided, multiple submitters, no conflicts (2 of 4 stars). 2 submissions from 2 submitters: Uncertain significance (2). Last evaluated 2024-01-25.

Submissions (2):

Labcorp Genetics (formerly Invitae), Labcorp
Classification: Uncertain significance. Last evaluated: 2024-01-25. Review status: criteria provided, single submitter. Criteria: Invitae Variant Classification Sherloc (09022015). Collection method: clinical testing. Allele origin: germline.
Comment: This sequence change falls in intron 15 of the USH2A gene. It does not directly change the encoded amino acid sequence of the USH2A protein. It affects a nucleotide within the consensus splice site. This variant is not present in population databases (gnomAD no frequency). This variant has not been reported in the literature in individuals affected with USH2A-related conditions. ClinVar contains an entry for this variant (Variation ID: 865968). Variants that disrupt the consensus splice site are a relatively common cause of aberrant splicing (PMID: 17576681, 9536098). Algorithms developed to predict the effect of sequence changes on RNA splicing suggest that this variant may disrupt the consensus splice site. In summary, the available evidence is currently insufficient to determine the role of this variant in disease. Therefore, it has been classified as a Variant of Uncertain Significance.

Blueprint Genetics
Classification: Uncertain significance. Last evaluated: 2019-07-09. Review status: criteria provided, single submitter. Criteria: ACMG Guidelines, 2015. Collection method: clinical testing. Allele origin: germline.

Literature cited by the submitters: PubMed 17576681 (cited by Labcorp Genetics (formerly Invitae), Labcorp); PubMed 9536098 (cited by Labcorp Genetics (formerly Invitae), Labcorp).